The following is an entry in ClinVar:

ClinVar aggregate classification (germline): Uncertain significance (1 of 4 stars; one submission).

Conditions:
Hereditary nonpolyposis colorectal neoplasms. Identifiers: MedGen C0009405, MeSH D003123.

Submission:

Labcorp Genetics (formerly Invitae), Labcorp
Classification: Uncertain significance for Hereditary nonpolyposis colorectal neoplasms. Last evaluated: 2021-02-17. Review status: criteria provided, single submitter. Criteria: Invitae Variant Classification Sherloc (09022015). Collection method: clinical testing. Allele origin: germline.
Comment: In summary, the available evidence is currently insufficient to determine the role of this variant in disease. Therefore, it has been classified as a Variant of Uncertain Significance. This variant disrupts the p.Phe706 amino acid residue in MSH6. Other variant(s) that disrupt this residue have been determined to be pathogenic (PMID: 28531214, 17453009). This suggests that this residue is clinically significant, and that variants that disrupt this residue are likely to be disease-causing. Advanced modeling of protein sequence and biophysical properties (such as structural, functional, and spatial information, amino acid conservation, physicochemical variation, residue mobility, and thermodynamic stability) performed at Invitae indicates that this missense variant is expected to disrupt MSH6 protein function. This variant has not been reported in the literature in individuals with MSH6-related conditions. This variant is not present in population databases (ExAC no frequency). This sequence change replaces phenylalanine with isoleucine at codon 706 of the MSH6 protein (p.Phe706Ile). The phenylalanine residue is highly conserved and there is a small physicochemical difference between phenylalanine and isoleucine.

Literature cited by the submitters: PubMed 28531214; PubMed 17453009.

NM_000179.3(MSH6):c.2116T>A (p.Phe706Ile)

Gene: MSH6 (mutS homolog 6; plus strand). Cytogenetic location: 2p16.3.
Variant type: single nucleotide variant.
Coding change: c.2116T>A on transcript NM_000179.3 (MANE Select); coding-DNA position 2116, T replaced by A.
Protein change: p.Phe706Ile; replaces phenylalanine 706 with isoleucine.
Molecular consequence: missense variant.
Genome position (GRCh38, 1-based): chr2:47,800,099, T>A. VCF-style: chr2-47800099-T-A. GRCh37 (hg19) VCF-style: chr2-48027238-T-A.
Other names: c.1726T>A, p.Phe576Ile (NM_001281492.2); c.1210T>A, p.Phe404Ile (NM_001281493.2, NM_001281494.2); short protein forms F404I, F706I, F576I.
Identifiers: ClinVar variation 1525371 (VCV001525371.8), dbSNP rs2104389521, ClinGen allele CA346750964.